The following is an entry in ClinVar:

NM_020338.4(ZMIZ1):c.1534G>A (p.Val512Ile)

Gene: ZMIZ1 (zinc finger MIZ-type containing 1; plus strand). Cytogenetic location: 10q22.3.
Variant type: single nucleotide variant.
Coding change: c.1534G>A on transcript NM_020338.4 (MANE Select); coding-DNA position 1534, G replaced by A.
Protein change: p.Val512Ile; replaces valine 512 with isoleucine.
Molecular consequence: missense variant.
Genome position (GRCh38, 1-based): chr10:79,298,448, G>A. VCF-style: chr10-79298448-G-A. GRCh37 (hg19) VCF-style: chr10-81058205-G-A.
Other names: short protein forms V512I.
Identifiers: ClinVar variation 1704589 (VCV001704589.1), dbSNP rs1331614286, ClinGen allele CA377337234.

ClinVar aggregate classification (germline): Uncertain significance (1 of 4 stars; one submission).

Allele frequency attached by ClinVar (database versions not stated): TOPMed below 0.00001.

Submission:

Women's Health and Genetics/Laboratory Corporation of America, LabCorp
Classification: Uncertain significance. Last evaluated: 2022-07-29. Review status: criteria provided, single submitter. Criteria: LabCorp Variant Classification Summary - May 2015. Collection method: clinical testing. Allele origin: germline.
Comment: Variant summary: ZMIZ1 c.1534G>A (p.Val512Ile) results in a conservative amino acid change in the encoded protein sequence. Four of five in-silico tools predict a benign effect of the variant on protein function. The variant was absent in 241172 control chromosomes (gnomAD). The available data on variant occurrences in the general population are insufficient to allow any conclusion about variant significance. To our knowledge, no occurrence of c.1534G>A in individuals affected with Neurodevelopmental Disorder With Dysmorphic Facies And Distal Skeletal Anomalies and no experimental evidence demonstrating its impact on protein function have been reported. No clinical diagnostic laboratories have submitted clinical-significance assessments for this variant to ClinVar after 2014. Based on the evidence outlined above, the variant was classified as uncertain significance.